The following is an entry in ClinVar:

NM_001330700.2(TOP2B):c.586A>G (p.Thr196Ala)

Gene: TOP2B (DNA topoisomerase II beta; minus strand). Cytogenetic location: 3p24.2.
Variant type: single nucleotide variant.
Coding change: c.586A>G on transcript NM_001330700.2 (MANE Select); coding-DNA position 586, A replaced by G.
Protein change: p.Thr196Ala; replaces threonine 196 with alanine.
Molecular consequence: missense variant.
Genome position (GRCh38, 1-based): chr3:25,637,268, T>C on the plus strand (A>G on the coding strand, the complement: TOP2B is on the minus strand). VCF-style: chr3-25637268-T-C. GRCh37 (hg19) VCF-style: chr3-25678759-T-C.
Other names: c.571A>G, p.Thr191Ala (NM_001068.3); short protein forms T196A, T191A.
Identifiers: ClinVar variation 2892519 (VCV002892519.3), dbSNP rs2470369069, ClinGen allele CA351912898.
Genomic context (GRCh38, chr3:25,637,268, plus strand): 5'-AGCATACCTGCTTAAAACTGTGTTTGTATTCTTTGCAAGCTGTTTCTACTGTAAACTTTG[T>C]ACTGAAAATATTACAAAGTTTTGCACCATAACCATTACGACCACCTGTAAGAAAAATTAA-3'
Protein context (NP_001317629.1, residues 186-206): YGAKLCNIFS[Thr196Ala]KFTVETACKE

ClinVar aggregate classification (germline): Uncertain significance (1 of 4 stars; one submission).

Allele frequency attached by ClinVar (database versions not stated): gnomAD exomes below 0.00001.
gnomAD v4.1: 1 of 1,560,972 alleles (0.000064%); highest among the groups gnomAD compares: East Asian, 0.0024%; no homozygotes.

Submission:

Labcorp Genetics (formerly Invitae), Labcorp
Classification: Uncertain significance. Last evaluated: 2023-12-03. Review status: criteria provided, single submitter. Criteria: Invitae Variant Classification Sherloc (09022015). Collection method: clinical testing. Allele origin: germline.
Comment: This sequence change replaces threonine, which is neutral and polar, with alanine, which is neutral and non-polar, at codon 191 of the TOP2B protein (p.Thr191Ala). This variant is not present in population databases (gnomAD no frequency). This variant has not been reported in the literature in individuals affected with TOP2B-related conditions. An algorithm developed to predict the effect of missense changes on protein structure and function (PolyPhen-2) suggests that this variant is likely to be tolerated. In summary, the available evidence is currently insufficient to determine the role of this variant in disease. Therefore, it has been classified as a Variant of Uncertain Significance.